The following is an entry in ClinVar:

NM_206933.4(USH2A):c.3309C>A (p.Tyr1103Ter)

Genes: USH2A (usherin; minus strand), USH2A-AS1 (USH2A antisense RNA 1; plus strand). Cytogenetic location: 1q41.
Variant type: single nucleotide variant.
Coding change: c.3309C>A on transcript NM_206933.4 (MANE Select); coding-DNA position 3309, C replaced by A.
Protein change: p.Tyr1103Ter; replaces tyrosine 1103 with a stop codon.
Molecular consequence: nonsense.
Genome position (GRCh38, 1-based): chr1:216,207,280, G>T on the plus strand (C>A on the coding strand, the complement: USH2A is on the minus strand). VCF-style: chr1-216207280-G-T. GRCh37 (hg19) VCF-style: chr1-216380622-G-T.
Other names: c.3309C>A, p.Tyr1103Ter (NM_007123.6); c.3309C>A (NM_206933.3); short protein forms Y1103*.
Identifiers: ClinVar variation 48499 (VCV000048499.24), dbSNP rs397518011, ClinGen allele CA262098.
Genomic context (GRCh38, chr1:216,207,280, plus strand): 5'-TAATGTGTCAATTCTCAGAATATTTATTTCTATTACCAAACCCTTAAACTCACTGTATGG[G>T]TATTGATCCTCTGTTGTGTAGATTTCAAAACCATCCCTGAGTAAACTGTAAGTAAGCCAG-3'

ClinVar aggregate classification (germline): Pathogenic. Review status: criteria provided, multiple submitters, no conflicts (2 of 4 stars). 11 submissions from 10 submitters: Pathogenic (9). 2 of the submissions do not count toward it. Last evaluated 2026-04-14.

Conditions:
Rare genetic deafness. Identifiers: Orphanet 96210, MedGen C5680250.
USH2A-related disorder. Also called: USH2A-related condition; USH2A-related disorders. Identifiers: MedGen CN239332.
Usher syndrome. Also called: Usher Syndromes; Usher's syndrome. Identifiers: Orphanet 886, MedGen CN469326, MeSH D052245, MONDO:0019501. Disease mechanism: loss of function.
Usher syndrome type 2A. Also called: USHER SYNDROME, TYPE IIA; RETINAL DISEASE IN USHER SYNDROME TYPE IIA, MODIFIER OF. Identifiers: Orphanet 231178, Orphanet 886, MedGen C1848634, MONDO:0010169, OMIM 276901.
Retinitis pigmentosa 39 (RP39). Identifiers: Orphanet 791, MedGen C3151138, MONDO:0013436, OMIM 613809.

Allele frequency attached by ClinVar (database versions not stated): gnomAD exomes 0.00001; TOPMed 0.00001; gnomAD 0.00001.
gnomAD v4.1: 12 of 1,613,788 alleles (0.00074%); highest among the groups gnomAD compares: Non-Finnish European, 0.001%; no homozygotes.

Submissions (11):

Women's Health and Genetics/Laboratory Corporation of America, LabCorp
Classification: Pathogenic for Usher syndrome. Last evaluated: 2026-04-14. Review status: criteria provided, single submitter. Criteria: LabCorp Variant Classification Summary - May 2015. Collection method: clinical testing. Allele origin: germline.
Comment: Variant summary: USH2A c.3309C>A (p.Tyr1103X) results in a premature termination codon, predicted to cause a truncation of the encoded protein or absence of the protein due to nonsense mediated decay, which are commonly known mechanisms for disease. The variant was absent in 251062 control chromosomes (gnomAD). c.3309C>A has been observed in individuals affected with Usher Syndrome or retinitis pigmentosa (Zhao_2015, Bonnet_2016, Reurink_2023). These data indicate that the variant may be associated with disease. To our knowledge, no experimental evidence demonstrating an impact on protein function has been reported. The following publications have been ascertained in the context of this evaluation (PMID: 27460420, 36785559, 25472526). ClinVar contains an entry for this variant (Variation ID: 48499). Based on the evidence outlined above, the variant was classified as pathogenic.

Labcorp Genetics (formerly Invitae), Labcorp
Classification: Pathogenic. Last evaluated: 2026-01-21. Review status: criteria provided, single submitter. Criteria: Invitae Variant Classification Sherloc (09022015). Collection method: clinical testing. Allele origin: germline.
Comment: This sequence change creates a premature translational stop signal (p.Tyr1103*) in the USH2A gene. It is expected to result in an absent or disrupted protein product. Loss-of-function variants in USH2A are known to be pathogenic (PMID: 10729113, 10909849, 20507924, 25649381). This variant is not present in population databases (gnomAD no frequency). This premature translational stop signal has been observed in individuals with retinitis pigmentosa or Usher syndrome (PMID: 25472526, 27460420). ClinVar contains an entry for this variant (Variation ID: 48499). For these reasons, this variant has been classified as Pathogenic.

Blueprint Genetics
Classification: Pathogenic for USH2A-related disorders. Last evaluated: 2024-09-02. Review status: criteria provided, single submitter. Criteria: ACMG Guidelines, 2015. Collection method: clinical testing. Allele origin: germline. Affected: yes. Observed: 5 variant alleles.

Natera, Inc.
Classification: Pathogenic for Usher syndrome type 2A. Last evaluated: 2024-03-22. Review status: criteria provided, single submitter. Criteria: Natera Variant Classification Schema (03/2026). Collection method: clinical testing. Allele origin: germline.
Comment: The c.3309C>A variant in USH2A is a nonsense variant predicted to introduce a stop codon at amino acid 1103. This variant is expected to result in nonsense mediated decay, truncation, or a dysfunctional protein product. This variant is rare in the general population with a frequency below the threshold expected for the associated phenotype(s). This variant has been observed in one or more individuals affected with the associated recessive disease, as either homozygous or compound heterozygous with a second variant (PMID: 27957503). Given the available evidence, this variant is classified as Pathogenic.

Genome-Nilou Lab
Classification: Pathogenic for Retinitis pigmentosa 39. Last evaluated: 2023-11-04. Review status: criteria provided, single submitter. Criteria: ACMG Guidelines, 2015. Collection method: clinical testing. Allele origin: germline. Affected: no.

Genome-Nilou Lab
Classification: Pathogenic for Usher syndrome type 2A. Last evaluated: 2023-11-04. Review status: criteria provided, single submitter. Criteria: ACMG Guidelines, 2015. Collection method: clinical testing. Allele origin: germline. Affected: no.

Baylor Genetics
Classification: Pathogenic for Retinitis pigmentosa 39. Last evaluated: 2023-08-29. Review status: criteria provided, single submitter. Criteria: ACMG Guidelines, 2015. Collection method: clinical testing. Allele origin: unknown.

Revvity Omics, Revvity
Classification: Pathogenic. Last evaluated: 2020-07-27. Review status: criteria provided, single submitter. Criteria: ACMG Guidelines, 2015. Collection method: clinical testing. Allele origin: germline.

Laboratory for Molecular Medicine, Mass General Brigham Personalized Medicine
Classification: Pathogenic for Rare genetic deafness. Last evaluated: 2012-03-13. Review status: criteria provided, single submitter. Criteria: LMM Criteria. Collection method: clinical testing. Allele origin: germline. Inheritance: Autosomal recessive inheritance. Observed: 1 variant allele.
Comment: The Tyr1103X variant in USH2A has not been reported in the literature nor previo usly identified by our laboratory. This nonsense variant leads to a premature te rmination codon at position 1103, which is predicted to lead to a truncated or a bsent protein. In summary, this variant meets our criteria to be classified as p athogenic.

Genetic Testing Center for Deafness, Department of Otolaryngology Head & Neck Surgery, Institute of Otolaryngology, Chinese PLA General Hospital
Classification: Pathogenic for Usher syndrome type 2A. Last evaluated: 2019-02-26. Review status: no assertion criteria provided. Collection method: case-control. Allele origin: inherited. Affected: yes. Observed: 1 variant allele. Not counted in ClinVar's aggregate classification.

Counsyl
Classification: Pathogenic for Usher syndrome type 2A; Retinitis pigmentosa 39. Last evaluated: 2017-10-10. Review status: no assertion criteria provided. Collection method: clinical testing. Allele origin: unknown. Not counted in ClinVar's aggregate classification.

Literature cited by the submitters: PubMed 25472526 (cited by Women's Health and Genetics/Laboratory Corporation of America, LabCorp and Labcorp Genetics (formerly Invitae), Labcorp); PubMed 27460420 (cited by 3 submitters); PubMed 36785559 (cited by Women's Health and Genetics/Laboratory Corporation of America, LabCorp); PubMed 10729113 (cited by Labcorp Genetics (formerly Invitae), Labcorp); PubMed 10909849 (cited by Labcorp Genetics (formerly Invitae), Labcorp); PubMed 20507924 (cited by Labcorp Genetics (formerly Invitae), Labcorp); PubMed 25649381 (cited by Labcorp Genetics (formerly Invitae), Labcorp); PubMed 27957503 (cited by Natera, Inc. and Counsyl).